The following is an entry in ClinVar:

NM_001127208.3(TET2):c.3890G>A (p.Gly1297Glu)

Genes: TET2 (tet methylcytosine dioxygenase 2; plus strand), TET2-AS1 (TET2 antisense RNA 1; minus strand). Cytogenetic location: 4q24.
Variant type: single nucleotide variant.
Coding change: c.3890G>A on transcript NM_001127208.3 (MANE Select); coding-DNA position 3890, G replaced by A.
Protein change: p.Gly1297Glu; replaces glycine 1297 with glutamic acid.
Molecular consequence: missense variant.
Genome position (GRCh38, 1-based): chr4:105,259,705, G>A. VCF-style: chr4-105259705-G-A. GRCh37 (hg19) VCF-style: chr4-106180862-G-A.
Other names: short protein forms G1297E.
Identifiers: ClinVar variation 3654911 (VCV003654911.2).

ClinVar aggregate classification (germline): Uncertain significance (1 of 4 stars; one submission).

Submission:

Labcorp Genetics (formerly Invitae), Labcorp
Classification: Uncertain significance. Last evaluated: 2024-05-28. Review status: criteria provided, single submitter. Criteria: Invitae Variant Classification Sherloc (09022015). Collection method: clinical testing. Allele origin: germline.
Comment: This sequence change replaces glycine, which is neutral and non-polar, with glutamic acid, which is acidic and polar, at codon 1297 of the TET2 protein (p.Gly1297Glu). This variant is not present in population databases (gnomAD no frequency). This variant has not been reported in the literature in individuals affected with TET2-related conditions. An algorithm developed to predict the effect of missense changes on protein structure and function (PolyPhen-2) suggests that this variant is likely to be disruptive. Algorithms developed to predict the effect of sequence changes on RNA splicing suggest that this variant may create or strengthen a splice site. In summary, the available evidence is currently insufficient to determine the role of this variant in disease. Therefore, it has been classified as a Variant of Uncertain Significance.